The following is an entry in ClinVar:

ClinVar aggregate classification (germline): Pathogenic (1 of 4 stars; one submission).

gnomAD v4.1: 1 of 1,614,194 alleles (0.000062%); highest among the groups gnomAD compares: Admixed American, 0.0017%; no homozygotes.

Submission:

GeneDx
Classification: Pathogenic. Last evaluated: 2018-09-27. Review status: criteria provided, single submitter. Criteria: GeneDx Variant Classification (06012015). Collection method: clinical testing. Allele origin: germline. Affected: yes.
Comment: The E455X variant in the KRT5 gene has not been reported previously as a pathogenic variant nor as a benign variant, to our knowledge. This variant is predicted to cause loss of normal protein function either through protein truncation or nonsense-mediated mRNA decay. The E455X variant is not observed in large population cohorts (Lek et al., 2016). We interpret E455X as a pathogenic variant.

NM_000424.4(KRT5):c.1363G>T (p.Glu455Ter)

Genes: KRT5 (keratin 5; minus strand), LOC126861525 (BRD4-independent group 4 enhancer GRCh37_chr12:52909857-52911056; plus strand). Cytogenetic location: 12q13.13.
Variant type: single nucleotide variant.
Coding change: c.1363G>T on transcript NM_000424.4 (MANE Select); coding-DNA position 1363, G replaced by T.
Protein change: p.Glu455Ter; replaces glutamic acid 455 with a stop codon.
Molecular consequence: nonsense.
Genome position (GRCh38, 1-based): chr12:52,516,713, C>A on the plus strand (G>T on the coding strand, the complement: KRT5 is on the minus strand). VCF-style: chr12-52516713-C-A. GRCh37 (hg19) VCF-style: chr12-52910497-C-A.
Other names: short protein forms E455*.
Identifiers: ClinVar variation 620350 (VCV000620350.1), dbSNP rs1294665232, ClinGen allele CA384923769.